The following is an entry in ClinVar:

NM_004373.4(COX6A1):c.29C>G (p.Ser10Cys)

Gene: COX6A1 (cytochrome c oxidase subunit 6A1; plus strand). Cytogenetic location: 12q24.31.
Variant type: single nucleotide variant.
Coding change: c.29C>G on transcript NM_004373.4 (MANE Select); coding-DNA position 29, C replaced by G.
Protein change: p.Ser10Cys; replaces serine 10 with cysteine.
Molecular consequence: missense variant.
Genome position (GRCh38, 1-based): chr12:120,438,155, C>G. VCF-style: chr12-120438155-C-G. GRCh37 (hg19) VCF-style: chr12-120875958-C-G.
Other names: c.29C>G (NM_004373.2); short protein forms S10C.
Identifiers: ClinVar variation 1508998 (VCV001508998.10), dbSNP rs369319975, ClinGen allele CA244445088.

ClinVar aggregate classification (germline): Uncertain significance. Review status: criteria provided, multiple submitters, no conflicts (2 of 4 stars). 3 submissions from 3 submitters: Uncertain significance (3). Last evaluated 2026-09-10.

Allele frequency attached by ClinVar (database versions not stated): TOPMed 0.00012; gnomAD 0.00013 and 0.00015; gnomAD exomes below 0.00001 and 0.00001.

Submissions (3):

Ambry Genetics
Classification: Uncertain significance. Last evaluated: 2026-09-10. Review status: criteria provided, single submitter. Criteria: Ambry Variant Classification Scheme 2023. Collection method: clinical testing. Allele origin: germline.

Blueprint Genetics
Classification: Uncertain significance. Last evaluated: 2024-09-13. Review status: criteria provided, single submitter. Criteria: ACMG Guidelines, 2015. Collection method: clinical testing. Allele origin: germline.

Labcorp Genetics (formerly Invitae), Labcorp
Classification: Uncertain significance. Last evaluated: 2024-02-24. Review status: criteria provided, single submitter. Criteria: Invitae Variant Classification Sherloc (09022015). Collection method: clinical testing. Allele origin: germline.
Comment: This sequence change replaces serine, which is neutral and polar, with cysteine, which is neutral and slightly polar, at codon 10 of the COX6A1 protein (p.Ser10Cys). This variant is present in population databases (rs369319975, gnomAD 0.02%). This variant has not been reported in the literature in individuals affected with COX6A1-related conditions. ClinVar contains an entry for this variant (Variation ID: 1508998). Experimental studies and prediction algorithms are not available or were not evaluated, and the functional significance of this variant is currently unknown. In summary, the available evidence is currently insufficient to determine the role of this variant in disease. Therefore, it has been classified as a Variant of Uncertain Significance.